The following is an entry in ClinVar:

NM_000212.3(ITGB3):c.2082G>T (p.Gln694His)

Gene: ITGB3 (integrin subunit beta 3; plus strand). Cytogenetic location: 17q21.32.
Variant type: single nucleotide variant.
Coding change: c.2082G>T on transcript NM_000212.3 (MANE Select); coding-DNA position 2082, G replaced by T.
Protein change: p.Gln694His; replaces glutamine 694 with histidine.
Molecular consequence: missense variant.
Genome position (GRCh38, 1-based): chr17:47,302,788, G>T. VCF-style: chr17-47302788-G-T. GRCh37 (hg19) VCF-style: chr17-45380154-G-T.
Other names: short protein forms Q694H.
Identifiers: ClinVar variation 3767788 (VCV003767788.1).

ClinVar aggregate classification (germline): Uncertain significance (1 of 4 stars; one submission).

Submission:

GeneDx
Classification: Uncertain significance. Last evaluated: 2024-09-05. Review status: criteria provided, single submitter. Criteria: GeneDx Variant Classification Process June 2021. Collection method: clinical testing. Allele origin: germline. Affected: yes.
Comment: Not observed at significant frequency in large population cohorts (gnomAD); In silico analysis indicates that this missense variant does not alter protein structure/function; Has not been previously published as pathogenic or benign to our knowledge